The following is an entry in ClinVar:

NM_004153.4(ORC1):c.2182C>T (p.Arg728Cys)

Gene: ORC1 (origin recognition complex subunit 1; minus strand). Cytogenetic location: 1p32.3.
Variant type: single nucleotide variant.
Coding change: c.2182C>T on transcript NM_004153.4 (MANE Select); coding-DNA position 2182, C replaced by T.
Protein change: p.Arg728Cys; replaces arginine 728 with cysteine.
Molecular consequence: missense variant.
Genome position (GRCh38, 1-based): chr1:52,375,551, G>A on the plus strand (C>T on the coding strand, the complement: ORC1 is on the minus strand). VCF-style: chr1-52375551-G-A. GRCh37 (hg19) VCF-style: chr1-52841223-G-A.
Other names: c.2182C>T, p.Arg728Cys (NM_001190818.2); c.2167C>T, p.Arg723Cys (NM_001190819.2); short protein forms R728C, R723C.
Identifiers: ClinVar variation 1418250 (VCV001418250.4), dbSNP rs143923779, ClinGen allele CA853097.

ClinVar aggregate classification (germline): Uncertain significance (1 of 4 stars; one submission).

Allele frequency attached by ClinVar (database versions not stated): gnomAD exomes below 0.00001 and 0.00001; ExAC 0.00001; TOPMed 0.00001; ESP Exome Variant Server 0.00008.

Submission:

Labcorp Genetics (formerly Invitae), Labcorp
Classification: Uncertain significance. Last evaluated: 2025-09-02. Review status: criteria provided, single submitter. Criteria: Invitae Variant Classification Sherloc (09022015). Collection method: clinical testing. Allele origin: germline.
Comment: This sequence change replaces arginine, which is basic and polar, with cysteine, which is neutral and slightly polar, at codon 728 of the ORC1 protein (p.Arg728Cys). This variant is present in population databases (rs143923779, gnomAD 0.0009%). This variant has not been reported in the literature in individuals affected with ORC1-related conditions. ClinVar contains an entry for this variant (Variation ID: 1418250). Invitae Evidence Modeling of protein sequence and biophysical properties (such as structural, functional, and spatial information, amino acid conservation, physicochemical variation, residue mobility, and thermodynamic stability) indicates that this missense variant is expected to disrupt ORC1 protein function with a positive predictive value of 80%. In summary, the available evidence is currently insufficient to determine the role of this variant in disease. Therefore, it has been classified as a Variant of Uncertain Significance.